The following is an entry in ClinVar:

NM_000501.4(ELN):c.443G>A (p.Gly148Asp)

Gene: ELN (elastin; plus strand). Cytogenetic location: 7q11.23.
Variant type: single nucleotide variant.
Coding change: c.443G>A on transcript NM_000501.4 (MANE Select); coding-DNA position 443, G replaced by A.
Protein change: p.Gly148Asp; replaces glycine 148 with aspartic acid.
Molecular consequence: missense variant.
Genome position (GRCh38, 1-based): chr7:74,043,894, G>A. VCF-style: chr7-74043894-G-A. GRCh37 (hg19) VCF-style: chr7-73458224-G-A.
Other names: c.413G>A, p.Gly138Asp (NM_001081752.3, NM_001278917.2, NM_001278918.2); c.458G>A, p.Gly153Asp (NM_001081753.3, NM_001081754.3); c.443G>A, p.Gly148Asp (NM_001081755.3, NM_001278912.2, NM_001278915.2 and 2 more transcripts); c.407G>A, p.Gly136Asp (NM_001278913.2); c.428G>A, p.Gly143Asp (NM_001278914.2); short protein forms G136D, G148D, G153D, G138D, G143D.
Identifiers: ClinVar variation 1407633 (VCV001407633.7), dbSNP rs781952083, ClinGen allele CA4292491.

ClinVar aggregate classification (germline): Uncertain significance. Review status: criteria provided, multiple submitters, no conflicts (2 of 4 stars). 2 submissions from 2 submitters: Uncertain significance (2). Last evaluated 2023-01-13.

Conditions:
Supravalvar aortic stenosis (SVAS). Also called: Supravalvar aortic stenosis, Eisenberg type. Identifiers: Orphanet 3193, MedGen C0003499, MONDO:0008504, OMIM 185500, HP:0004381.

Allele frequency attached by ClinVar (database versions not stated): gnomAD exomes below 0.00001 and 0.00001; TOPMed below 0.00001; gnomAD 0.00001; ExAC 0.00002.
gnomAD v4.1: 4 of 1,614,006 alleles (0.00025%); highest among the groups gnomAD compares: East Asian, 0.0045%; no homozygotes.

Submissions (2):

GeneDx
Classification: Uncertain significance. Last evaluated: 2023-01-13. Review status: criteria provided, single submitter. Criteria: GeneDx Variant Classification Process June 2021. Collection method: clinical testing. Allele origin: germline. Affected: yes.
Comment: In silico analysis supports that this missense variant has a deleterious effect on protein structure/function; Has not been previously published as pathogenic or benign to our knowledge

Labcorp Genetics (formerly Invitae), Labcorp
Classification: Uncertain significance for Supravalvar aortic stenosis. Last evaluated: 2022-11-24. Review status: criteria provided, single submitter. Criteria: Invitae Variant Classification Sherloc (09022015). Collection method: clinical testing. Allele origin: germline.
Comment: In summary, the available evidence is currently insufficient to determine the role of this variant in disease. Therefore, it has been classified as a Variant of Uncertain Significance. Advanced modeling of protein sequence and biophysical properties (such as structural, functional, and spatial information, amino acid conservation, physicochemical variation, residue mobility, and thermodynamic stability) performed at Invitae indicates that this missense variant is not expected to disrupt ELN protein function. ClinVar contains an entry for this variant (Variation ID: 1407633). This variant has not been reported in the literature in individuals affected with ELN-related conditions. This variant is present in population databases (rs781952083, gnomAD 0.02%). This sequence change replaces glycine, which is neutral and non-polar, with aspartic acid, which is acidic and polar, at codon 148 of the ELN protein (p.Gly148Asp).